The following is an entry in ClinVar:

NC_000012.12:g.121626743A>C

Genes: ORAI1 (ORAI calcium release-activated calcium modulator 1; plus strand), LOC130008987 (ATAC-STARR-seq lymphoblastoid silent region 4981; plus strand). Cytogenetic location: 12q24.31.
Variant type: single nucleotide variant.
Molecular consequence: non-coding transcript variant (on NR_186857.1).
Genome position: GRCh38 VCF-style: chr12-121626743-A-C. GRCh37 (hg19) VCF-style: chr12-122064648-A-C.
Identifiers: ClinVar variation 3761075 (VCV003761075.2).

ClinVar aggregate classification (germline): Uncertain significance (1 of 4 stars; one submission).

Conditions:
Myopathy, tubular aggregate, 2 (TAM2). Identifiers: MedGen C4014557, MONDO:0014383, OMIM 615883.
Combined immunodeficiency due to ORAI1 deficiency. Also called: IMMUNODEFICIENCY 9. Identifiers: Orphanet 169090, Orphanet 317428, MedGen C2748568, MONDO:0013007, OMIM 612782.

Submission:

Labcorp Genetics (formerly Invitae), Labcorp
Classification: Uncertain significance for Myopathy, tubular aggregate, 2; Combined immunodeficiency due to ORAI1 deficiency. Last evaluated: 2024-12-17. Review status: criteria provided, single submitter. Criteria: Invitae Variant Classification Sherloc (09022015). Collection method: clinical testing. Allele origin: germline.
Comment: This sequence change affects the initiator methionine of the ORAI1 mRNA. The next in-frame methionine is located at codon 64. The frequency data for this variant in the population databases is considered unreliable, as metrics indicate insufficient coverage at this position in the gnomAD database. This variant has not been reported in the literature in individuals affected with ORAI1-related conditions. Experimental studies and prediction algorithms are not available or were not evaluated, and the functional significance of this variant is currently unknown. In summary, the available evidence is currently insufficient to determine the role of this variant in disease. Therefore, it has been classified as a Variant of Uncertain Significance.